The following is an entry in ClinVar:

ClinVar aggregate classification (germline): Uncertain significance. Review status: criteria provided, multiple submitters, no conflicts (2 of 4 stars). 2 submissions from 2 submitters: Uncertain significance (2). Last evaluated 2022-05-19.

Allele frequency attached by ClinVar (database versions not stated): gnomAD 0.00001; gnomAD exomes 0.00001 and 0.00002; TOPMed 0.00002; ExAC 0.00004.
gnomAD v4.1: 15 of 1,613,770 alleles (0.00093%); highest among the groups gnomAD compares: East Asian, 0.0045%; no homozygotes.

Submissions (2):

Labcorp Genetics (formerly Invitae), Labcorp
Classification: Uncertain significance. Last evaluated: 2022-05-19. Review status: criteria provided, single submitter. Criteria: Invitae Variant Classification Sherloc (09022015). Collection method: clinical testing. Allele origin: germline.
Comment: In summary, the available evidence is currently insufficient to determine the role of this variant in disease. Therefore, it has been classified as a Variant of Uncertain Significance. Algorithms developed to predict the effect of missense changes on protein structure and function are either unavailable or do not agree on the potential impact of this missense change (SIFT: "Tolerated"; PolyPhen-2: "Possibly Damaging"; Align-GVGD: "Class C0"). ClinVar contains an entry for this variant (Variation ID: 1307839). This variant has not been reported in the literature in individuals affected with CHD8-related conditions. This variant is present in population databases (rs749428842, gnomAD 0.007%). This sequence change replaces proline, which is neutral and non-polar, with leucine, which is neutral and non-polar, at codon 1741 of the CHD8 protein (p.Pro1741Leu).

GeneDx
Classification: Uncertain significance. Last evaluated: 2019-08-15. Review status: criteria provided, single submitter. Criteria: GeneDx Variant Classification Process June 2021. Collection method: clinical testing. Allele origin: germline. Affected: yes.
Comment: In silico analysis, which includes protein predictors and evolutionary conservation, supports that this variant does not alter protein structure/function; Has not been previously published as pathogenic or benign to our knowledge

NM_001170629.2(CHD8):c.5222C>T (p.Pro1741Leu)

Gene: CHD8 (chromodomain helicase DNA binding protein 8; minus strand). Cytogenetic location: 14q11.2.
Variant type: single nucleotide variant.
Coding change: c.5222C>T on transcript NM_001170629.2 (MANE Select); coding-DNA position 5222, C replaced by T.
Protein change: p.Pro1741Leu; replaces proline 1741 with leucine.
Molecular consequence: missense variant.
Genome position (GRCh38, 1-based): chr14:21,395,080, G>A on the plus strand (C>T on the coding strand, the complement: CHD8 is on the minus strand). VCF-style: chr14-21395080-G-A. GRCh37 (hg19) VCF-style: chr14-21863239-G-A.
Other names: c.4385C>T, p.Pro1462Leu (NM_020920.4); short protein forms P1462L, P1741L.
Identifiers: ClinVar variation 1307839 (VCV001307839.6), dbSNP rs749428842, ClinGen allele CA7091002.